The following is an entry in ClinVar:

ClinVar aggregate classification (germline): Pathogenic (1 of 4 stars; one submission).

Conditions:
UV-sensitive syndrome 3 (UVSS3). Identifiers: Orphanet 178338, MedGen C3553328, MONDO:0013834, OMIM 614640.

gnomAD v4.1: 3 of 1,614,000 alleles (0.00019%); highest among the groups gnomAD compares: Non-Finnish European, 0.00017%; no homozygotes.

Submission:

Laboratorio de Biologia Molecular/Medicina Genomica - IFF/Fiocruz, Instituto Fernandes Figueira, Fundacao Oswaldo Cruz
Classification: Pathogenic for UV-sensitive syndrome 3. Last evaluated: 2025-01-15. Review status: criteria provided, single submitter. Criteria: ACMG Guidelines, 2015. Collection method: clinical testing. Allele origin: biparental. Affected: yes. Observed: 1 variant allele.
Comment: Variant: c.250C>T (p.Gln84Ter) in exon 3 of the UVSSA gene. In silico evidence: Nonsense variant predicted to introduce a premature stop codon at position 84, resulting in nonsense-mediated mRNA decay (NMD) in a gene where loss of function is an established disease mechanism (PMID: 22466612). ACMG/AMP criteria applied: PVS1, PM2_Supporting, PM3_Supporting.

Literature cited by the submitters: PubMed 22466612.

NM_020894.4(UVSSA):c.250C>T (p.Gln84Ter)

Gene: UVSSA (UV stimulated scaffold protein A; plus strand). Cytogenetic location: 4p16.3.
Variant type: single nucleotide variant.
Coding change: c.250C>T on transcript NM_020894.4 (MANE Select); coding-DNA position 250, C replaced by T.
Protein change: p.Gln84Ter; replaces glutamine 84 with a stop codon.
Molecular consequence: nonsense.
Genome position (GRCh38, 1-based): chr4:1,349,675, C>T. VCF-style: chr4-1349675-C-T. GRCh37 (hg19) VCF-style: chr4-1343463-C-T.
Other names: c.250C>T, p.Gln84Ter (NM_001317934.2, NM_001317935.2); short protein forms Q84*.
Identifiers: ClinVar variation 4530689 (VCV004530689.1).